The following is an entry in ClinVar:

NM_000465.4(BARD1):c.950_957delinsG (p.Glu317fs)

Gene: BARD1 (BRCA1 associated RING domain 1; minus strand). Cytogenetic location: 2q35.
Variant type: Indel.
Coding change: c.950_957delinsG on transcript NM_000465.4 (MANE Select); coding-DNA positions 950 to 957, AAAATAAT replaced by G.
Protein change: p.Glu317fs; shifts the reading frame from glutamic acid 317.
Molecular consequence: frameshift variant. On other transcripts: non-coding transcript variant (2), intron variant (3).
Genome position (GRCh38, 1-based): chr2:214,780,917-214,780,924, ATTATTTT replaced by C on the plus strand (AAAATAAT replaced by G on the coding strand, the reverse complement: BARD1 is on the minus strand). VCF-style: chr2-214780917-ATTATTTT-C. GRCh37 (hg19) VCF-style: chr2-215645641-ATTATTTT-C.
Other names: c.893_900delinsG, p.Glu298fs (NM_001282543.2); c.159-28369_159-28362delinsG (NM_001282548.2); c.215+16137_215+16144delinsG (NM_001282545.2); c.364+11373_364+11380delinsG (NM_001282549.2); short protein forms E298fs, E317fs.
Identifiers: ClinVar variation 1767189 (VCV001767189.6), dbSNP rs2469506149, ClinGen allele CA2580065656.

ClinVar aggregate classification (germline): Pathogenic/Likely pathogenic. Review status: criteria provided, multiple submitters, no conflicts (2 of 4 stars). 3 submissions from 3 submitters: Pathogenic (2); Likely pathogenic (1). Last evaluated 2025-05-02.

Conditions:
Hereditary cancer-predisposing syndrome. Also called: Hereditary Cancer Syndrome; Hereditary neoplastic syndrome; Neoplastic Syndromes, Hereditary; Tumor predisposition. Identifiers: Orphanet 140162, MedGen C0027672, MeSH D009386, MONDO:0015356.
Familial cancer of breast. Also called: BREAST CANCER, FAMILIAL; hereditary breast carcinoma; Hereditary breast cancer. Identifiers: Orphanet 227535, MedGen C0346153, MONDO:0016419, OMIM 114480. Disease mechanism: loss of function.

Submissions (3):

Ambry Genetics
Classification: Pathogenic for Hereditary cancer-predisposing syndrome. Last evaluated: 2025-05-02. Review status: criteria provided, single submitter. Criteria: Ambry Variant Classification Scheme 2023. Collection method: clinical testing. Allele origin: germline.
Comment: The c.950_957delAAAATAATinsG pathogenic mutation, located in coding exon 4 of the BARD1 gene, results from the deletion of 8 nucleotides and insertion of one nucleotide causing a translational frameshift with a predicted alternate stop codon (p.E317Gfs*23). This variant is considered to be rare based on population cohorts in the Genome Aggregation Database (gnomAD). This alteration is expected to result in loss of function by premature protein truncation or nonsense-mediated mRNA decay. As such, this alteration is interpreted as a disease-causing mutation.

Institute for Clinical Genetics, University Hospital TU Dresden, University Hospital TU Dresden
Classification: Likely pathogenic. Last evaluated: 2023-06-21. Review status: criteria provided, single submitter. Criteria: ACMG Guidelines, 2015. Collection method: clinical testing. Allele origin: germline.

Myriad Genetics, Inc.
Classification: Pathogenic for Familial cancer of breast. Last evaluated: 2023-05-19. Review status: criteria provided, single submitter. Criteria: Myriad Autosomal Dominant, Autosomal Recessive and X-Linked Classification Criteria (2023). Collection method: clinical testing. Allele origin: unknown.
Comment: This variant is considered pathogenic. This variant creates a frameshift predicted to result in premature protein truncation.